The following is an entry in ClinVar:

ClinVar aggregate classification (germline): Benign (1 of 4 stars; one submission).

Allele frequency attached by ClinVar (database versions not stated): gnomAD exomes 0.00343; gnomAD 0.02780 and 0.02981; 1000 Genomes Project 0.02975; TOPMed 0.03073; 1000 Genomes Project 30x 0.03123.
gnomAD v4.1: 6,284 of 736,890 alleles (0.85%); highest among the groups gnomAD compares: African/African-American, 9.6%; 302 homozygotes.

Submission:

GeneDx
Classification: Benign. Last evaluated: 2018-06-14. Review status: criteria provided, single submitter. Criteria: GeneDx Variant Classification (06012015). Collection method: clinical testing. Allele origin: germline. Affected: yes.
Comment: This variant is considered likely benign or benign based on one or more of the following criteria: it is a conservative change, it occurs at a poorly conserved position in the protein, it is predicted to be benign by multiple in silico algorithms, and/or has population frequency not consistent with disease.

NM_004130.4(GYG1):c.609-131C>G

Gene: GYG1 (glycogenin 1; plus strand). Cytogenetic location: 3q24.
Variant type: single nucleotide variant.
Coding change: c.609-131C>G on transcript NM_004130.4 (MANE Select); 131 bases into the intron before coding-DNA position 609, C replaced by G.
Molecular consequence: intron variant.
Genome position (GRCh38, 1-based): chr3:149,023,922, C>G. VCF-style: chr3-149023922-C-G. GRCh37 (hg19) VCF-style: chr3-148741709-C-G.
Other names: c.609-131C>G (NM_001184720.2); c.609-2838C>G (NM_001184721.2).
Identifiers: ClinVar variation 677740 (VCV000677740.1), dbSNP rs112812222, ClinGen allele CA85517482.